The following is an entry in ClinVar:

ClinVar aggregate classification (germline): Pathogenic. Review status: criteria provided, multiple submitters, no conflicts (2 of 4 stars). 4 submissions from 4 submitters: Pathogenic (3). 1 of the submissions does not count toward it. Last evaluated 2025-10-21.

Conditions:
NPR2-related disorder. Also called: NPR2-related condition; NPR2-related disorders.
Monogenic short statue.
Acromesomelic dysplasia 1, Maroteaux type (AMD1). Also called: ST. HELENA DYSPLASIA; ACROMESOMELIC DYSPLASIA 1. Identifiers: Orphanet 40, MedGen C1864356, MONDO:0011275, OMIM 602875.
Tall stature-scoliosis-macrodactyly of the great toes syndrome. Also called: Epiphyseal chondrodysplasia, miura type. Identifiers: Orphanet 329191, MedGen C4014690, MONDO:0014401, OMIM 615923.

Allele frequency attached by ClinVar (database versions not stated): gnomAD exomes below 0.00001.
gnomAD v4.1: 3 of 1,614,146 alleles (0.00019%); highest among the groups gnomAD compares: Non-Finnish European, 0.00025%; no homozygotes.

Submissions (4):

NHS Central & South Genomic Laboratory Hub
Classification: Pathogenic for Monogenic short statue. Last evaluated: 2025-10-21. Review status: criteria provided, single submitter. Criteria: ACMG Guidelines, 2015. Collection method: clinical testing. Allele origin: germline. Affected: yes.

Labcorp Genetics (formerly Invitae), Labcorp
Classification: Pathogenic for Tall stature-scoliosis-macrodactyly of the great toes syndrome; Acromesomelic dysplasia 1, Maroteaux type. Last evaluated: 2025-08-31. Review status: criteria provided, single submitter. Criteria: Invitae Variant Classification Sherloc (09022015). Collection method: clinical testing. Allele origin: germline.
Comment: This sequence change creates a premature translational stop signal (p.Arg921*) in the NPR2 gene. It is expected to result in an absent or disrupted protein product. Loss-of-function variants in NPR2 are known to be pathogenic (PMID: 15146390, 15572448, 16384845). This variant is not present in population databases (gnomAD no frequency). This premature translational stop signal has been observed in individual(s) with autosomal dominant skeletal dysplasia and/or autosomal recessive acromesomelic dysplasia (PMID: 26567084, 30622824). ClinVar contains an entry for this variant (Variation ID: 449721). Algorithms developed to predict the effect of sequence changes on RNA splicing suggest that this variant may disrupt the consensus splice site. For these reasons, this variant has been classified as Pathogenic.

GeneDx
Classification: Pathogenic. Last evaluated: 2020-05-21. Review status: criteria provided, single submitter. Criteria: GeneDx Variant Classification Process June 2021. Collection method: clinical testing. Allele origin: germline. Affected: yes.
Comment: Nonsense variant predicted to result in protein truncation or nonsense mediated decay in a gene for which loss-of-function is a known mechanism of disease; Published functional studies demonstrate a damaging effect (complete loss of function) (Wang et al., 2016); Not observed in large population cohorts (Lek et al., 2016); Identified in an individual with clinical and radiologic features of acromesomelic dysplasia, Maroteaux type in published literature who also harbored a second NPR2 variant in trans (Wang et al., 2016); This variant is associated with the following publications: (PMID: 26567084, 30622824, 30016695, 31990356, 33205215)

PreventionGenetics, part of Exact Sciences
Classification: Pathogenic for NPR2-related condition. Last evaluated: 2024-09-19. Review status: no assertion criteria provided. Collection method: clinical testing. Allele origin: germline. Not counted in ClinVar's aggregate classification.
Comment: The NPR2 c.2761C>T variant is predicted to result in premature protein termination (p.Arg921*). PubMed ID: 30622824) and found in another individual with short status, who also carried variants in several other genes, such as c.2083G>T (p.(Arg921*) in DNA2 (Cavarzere et al. 2024. PubMed ID: 38087044). This variant in the compound heterozygous condition along with a second variant in this gene has been reported in one individual with acromesomelic dysplasia (Wang et al. 2016. PubMed ID: 26567084). This variant has not been reported in a large population database, indicating this variant is rare. Nonsense variants in NPR2 are expected to be pathogenic. This variant is interpreted as pathogenic.

Literature cited by the submitters: PubMed 15146390 (cited by Labcorp Genetics (formerly Invitae), Labcorp); PubMed 15572448 (cited by Labcorp Genetics (formerly Invitae), Labcorp); PubMed 16384845 (cited by Labcorp Genetics (formerly Invitae), Labcorp); PubMed 26567084 (cited by Labcorp Genetics (formerly Invitae), Labcorp); PubMed 30622824 (cited by Labcorp Genetics (formerly Invitae), Labcorp).

NM_003995.4(NPR2):c.2761C>T (p.Arg921Ter)

Genes: SPAG8 (sperm associated antigen 8; minus strand), NPR2 (natriuretic peptide receptor 2; plus strand). Cytogenetic location: 9p13.3.
Variant type: single nucleotide variant.
Coding change: c.2761C>T on transcript NM_003995.4 (MANE Select); coding-DNA position 2761, C replaced by T.
Protein change: p.Arg921Ter; replaces arginine 921 with a stop codon.
Molecular consequence: nonsense. On other transcripts: intron variant (2).
Genome position (GRCh38, 1-based): chr9:35,808,557, C>T. VCF-style: chr9-35808557-C-T. GRCh37 (hg19) VCF-style: chr9-35808554-C-T.
Other names: c.2770C>T, p.Arg924Ter (NM_001378923.1); c.1201-251G>A (NM_001366760.2); c.1373-251G>A (NM_172312.2); short protein forms R921*, R924*.
Identifiers: ClinVar variation 449721 (VCV000449721.14), dbSNP rs1554674642, ClinGen allele CA373384949.
Genomic context (GRCh38, chr9:35,808,557, plus strand): 5'-CCTCTCAATCAGGTGGAGACGATTGGGGATGCTTACATGGTGGTATCTGGCCTCCCAGGC[C>T]GAAATGGTCAACGCCATGCACCAGAAATTGCTCGTATGGCCCTAGCATTACTAGATGCAG-3'